The following is an entry in ClinVar:

NM_006361.6(HOXB13):c.702G>A (p.Glu234=)

Gene: HOXB13 (homeobox B13; minus strand). Cytogenetic location: 17q21.32.
Variant type: single nucleotide variant.
Coding change: c.702G>A on transcript NM_006361.6 (MANE Select); coding-DNA position 702, G replaced by A.
Protein change: p.Glu234=; no amino-acid change (glutamic acid 234 retained).
Molecular consequence: synonymous variant.
Genome position (GRCh38, 1-based): chr17:48,726,943, C>T on the plus strand (G>A on the coding strand, the complement: HOXB13 is on the minus strand). VCF-style: chr17-48726943-C-T. GRCh37 (hg19) VCF-style: chr17-46804305-C-T.
Identifiers: ClinVar variation 1756776 (VCV001756776.6), dbSNP rs2038217771, ClinGen allele CA500500907.
Genomic context (GRCh38, chr17:48,726,943, plus strand): 5'-GCTGGTGGCTGCCGAGATCTTGCGCCTCTTGTCCTTGGTGATGAACTTGTTAGCCGCATA[C>T]TCCCGCTCCAGCTCCCGCAACTGCCCCTTGCTGTACGGAATGCGTTTCTTGCGGCCGCGA-3'
Protein context (NP_006352.2, residues 224-244): SKGQLRELER[Glu234=]YAANKFITKD

ClinVar aggregate classification (germline): Benign/Likely benign. Review status: criteria provided, multiple submitters, no conflicts (2 of 4 stars). 3 submissions from 3 submitters: Benign (1); Likely benign (2). Last evaluated 2024-10-30.

Conditions:
Hereditary cancer-predisposing syndrome. Also called: Neoplastic Syndromes, Hereditary; Tumor predisposition; Hereditary Cancer Syndrome; Hereditary neoplastic syndrome. Identifiers: Orphanet 140162, MedGen C0027672, MeSH D009386, MONDO:0015356.
Prostate cancer, hereditary, 9 (HPC9). Identifiers: Orphanet 1331, MedGen C1970250, MONDO:0012597, OMIM 610997.

Submissions (3):

Myriad Genetics, Inc.
Classification: Benign for Prostate cancer, hereditary, 9. Last evaluated: 2024-10-30. Review status: criteria provided, single submitter. Criteria: Myriad Autosomal Dominant, Autosomal Recessive and X-Linked Classification Criteria (2023). Collection method: clinical testing. Allele origin: unknown.
Comment: This variant is considered benign. This variant is a silent/synonymous amino acid change and it is not expected to impact splicing.

Labcorp Genetics (formerly Invitae), Labcorp
Classification: Likely benign. Last evaluated: 2024-09-02. Review status: criteria provided, single submitter. Criteria: Invitae Variant Classification Sherloc (09022015). Collection method: clinical testing. Allele origin: germline.

Ambry Genetics
Classification: Likely benign for Hereditary cancer-predisposing syndrome. Last evaluated: 2022-07-15. Review status: criteria provided, single submitter. Criteria: Ambry Variant Classification Scheme 2023. Collection method: clinical testing. Allele origin: germline.